The following is an entry in ClinVar:

ClinVar aggregate classification (germline): Uncertain significance. Review status: criteria provided, multiple submitters, no conflicts (2 of 4 stars). 3 submissions from 3 submitters: Uncertain significance (3). Last evaluated 2025-02-09.

Conditions:
PROM1-related disorder. Also called: PROM1-related disorders; PROM1-related condition.
Inborn genetic diseases. Identifiers: MedGen C0950123, MeSH D030342.

Allele frequency attached by ClinVar (database versions not stated): gnomAD exomes below 0.00001 and 0.00001; ExAC 0.00001; gnomAD 0.00001; TOPMed 0.00002.
gnomAD v4.1: 8 of 1,613,666 alleles (0.0005%); highest among the groups gnomAD compares: Admixed American, 0.0067%; no homozygotes.

Submissions (3):

Ambry Genetics
Classification: Uncertain significance for Inborn genetic diseases. Last evaluated: 2025-02-09. Review status: criteria provided, single submitter. Criteria: Ambry Variant Classification Scheme 2023. Collection method: clinical testing. Allele origin: germline.

PreventionGenetics, part of Exact Sciences
Classification: Uncertain significance for PROM1-related condition. Last evaluated: 2024-11-26. Review status: criteria provided, single submitter. Criteria: ACMG Guidelines, 2015. Collection method: clinical testing. Allele origin: germline.
Comment: The PROM1 c.89A>G variant is predicted to result in the amino acid substitution p.Lys30Arg. To our knowledge, this variant has not been reported in the literature. This variant is reported in 0.0029% of alleles in individuals of Latino descent in gnomAD. At this time, the clinical significance of this variant is uncertain due to the absence of conclusive functional and genetic evidence.

Labcorp Genetics (formerly Invitae), Labcorp
Classification: Uncertain significance. Last evaluated: 2023-01-01. Review status: criteria provided, single submitter. Criteria: Invitae Variant Classification Sherloc (09022015). Collection method: clinical testing. Allele origin: germline.
Comment: ClinVar contains an entry for this variant (Variation ID: 959825). Advanced modeling of protein sequence and biophysical properties (such as structural, functional, and spatial information, amino acid conservation, physicochemical variation, residue mobility, and thermodynamic stability) performed at Invitae indicates that this missense variant is not expected to disrupt PROM1 protein function. In summary, the available evidence is currently insufficient to determine the role of this variant in disease. Therefore, it has been classified as a Variant of Uncertain Significance. This variant has not been reported in the literature in individuals affected with PROM1-related conditions. This variant is present in population databases (rs767532343, gnomAD 0.003%). This sequence change replaces lysine, which is basic and polar, with arginine, which is basic and polar, at codon 30 of the PROM1 protein (p.Lys30Arg).

NM_006017.3(PROM1):c.89A>G (p.Lys30Arg)

Gene: PROM1 (prominin 1; minus strand). Cytogenetic location: 4p15.32.
Variant type: single nucleotide variant.
Coding change: c.89A>G on transcript NM_006017.3 (MANE Select); coding-DNA position 89, A replaced by G.
Protein change: p.Lys30Arg; replaces lysine 30 with arginine.
Molecular consequence: missense variant.
Genome position (GRCh38, 1-based): chr4:16,075,818, T>C on the plus strand (A>G on the coding strand, the complement: PROM1 is on the minus strand). VCF-style: chr4-16075818-T-C. GRCh37 (hg19) VCF-style: chr4-16077441-T-C.
Other names: c.89A>G, p.Lys30Arg (NM_001145847.2, NM_001145848.2, NM_001145849.2 and 6 more transcripts); short protein forms K30R.
Identifiers: ClinVar variation 959825 (VCV000959825.10), dbSNP rs767532343, ClinGen allele CA2867191.